The following continues an entry in ClinVar:

NM_000218.3(KCNQ1):c.1772G>A (p.Arg591His)

Gene: KCNQ1. ClinVar aggregate classification (germline): Pathogenic/Likely pathogenic. Pathogenic (12); Likely pathogenic (1).

Submissions 10 to 15 of 15:

GeneDx
Classification: Pathogenic. Last evaluated: 2022-01-03. Review status: criteria provided, single submitter. Criteria: GeneDx Variant Classification Process June 2021. Collection method: clinical testing. Allele origin: germline. Affected: yes.
Comment: Reported in multiple individuals in association with LQTS (Neyroud et al., 1999; Inoue et al., 2003; Shimizu et al., 2004; Grunnet et al., 2005; Tester et al., 2005; Moss et al,. 2007; Yasuda et al., 2008; Kapa et al., 2009; Kapplinger et al., 2009; Andrsova et al., 2012; Medlock et al., 2012; Stattin et al., 2012; Cuneo et al., 2013; Robinson et al., 2015; Itoh et al., 2016); Not observed in large population cohorts (gnomAD); In silico analysis supports that this missense variant has a deleterious effect on protein structure/function; Published functional studies demonstrate a damaging effect as R591H causes a reduction in potassium ion current due to a reduction in the number of functional voltage-gated potassium channels in the cell membrane (Kanki et al., 2004; Grunnet et al., 2005; Xu et al., 2009); Reported in ClinVar as pathogenic (ClinVar Variant ID# 53017; ClinVar); This variant is associated with the following publications: (PMID: 17470695, 15840476, 17329207, 22949429, 19716085, 19261104, 16253915, 12388934, 18174212, 19825999, 24713462, 19693805, 15140888, 26669661, 23995044, 10024302, 19841300, 15234419, 25916402, 23098067, 22727609, 12808265, 22885918, 17329209, 31395126, 32048431, 31737537)

Victorian Clinical Genetics Services, Murdoch Childrens Research Institute
Classification: Pathogenic for Long QT syndrome 1. Last evaluated: 2020-10-19. Review status: criteria provided, single submitter. Criteria: ACMG Guidelines, 2015. Collection method: clinical testing. Allele origin: germline. Inheritance: Autosomal dominant inheritance. Affected: yes.
Comment: Based on the classification scheme VCGS_Germline_v1.1.1, this variant is classified as Pathogenic. Following criteria are met: 0103 - Dominant negative, loss of function and gain of function are known mechanisms of disease in this gene. Gain of function mutations result exclusively in short QT syndrome (MIM#609621), while dominant negative and loss of function mutations can cause long QT syndrome (LQTS) (MIM#192500), atrial fibrillation (MIM#607554) and Jervell and Lange-Nielson syndrome (JLNS) (MIM#220400) (OMIM, PMID: 28438721, 19632626). (N) 0108 - This gene is known to be associated with both recessive and dominant disease. JLNS is a more severe form of LQTS, and is the only condition caused by biallelic mutations (PMID: 28438721). (N) 0112 - The condition associated with this gene has incomplete penetrance (GeneReviews, OMIM). (N) 0200 - Variant is predicted to result in a missense amino acid change from arginine to histidine. (N) 0251 - Variant is heterozygous. (N) 0301 - Variant is absent from gnomAD. (P) 0309 - An alternative amino acid change at the same position has been observed in gnomAD (1 heterozygote, 0 homozygotes). (N) 0501 - Missense variant consistently predicted to be damaging by multiple in silico tools or highly conserved with a major amino acid change. (P) 0600 - Variant is located in an annotated domain or motif, KCNQ channel domain (PDB, NCBI). (N) 0703 - Comparable variants have moderate previous evidence for pathogenicity. Alternative changes (p.Arg591Cys, p.Arg591Leu) have been reported in several patients with LQTS (ClinVar, PMID: 19841300, PMID: 31520628). Another alternative change (p.Arg591Pro) has been reported as a VUS (ClinVar). (P) 0801 - Strong previous evidence of pathogenicity in unrelated individuals. This variant has been reported in multiple patients with LQTS (ClinVar, LOVD, PMID: 22885918, PMID: 29766885, PMID: 29654130). (P) 1208 - Inheritance information for this variant is not currently available. (N) Legend: (P) - Pathogenic, (N) - Neutral, (B) - Benign

MVZ Martinsried, Medicover Genetics
Classification: Pathogenic for Long QT syndrome 1. Last evaluated: 2017-11-14. Review status: criteria provided, single submitter. Criteria: ACMG Guidelines, 2015. Collection method: clinical testing. Allele origin: unknown. Affected: yes.

Juno Genomics, Hangzhou Juno Genomics, Inc
Classification: Likely pathogenic for Long QT syndrome 1; Atrial fibrillation, familial, 3; Jervell and Lange-Nielsen syndrome 1; Short QT syndrome type 2. Review status: criteria provided, single submitter. Criteria: ACMG Guidelines, 2015. Collection method: clinical testing. Allele origin: germline.
Comment: Multiple lines of computational evidence support a deleterious effect on the gene or gene product.;The prevalence of the variant in affected individuals is significantly increased compared to the prevalence in controls.;Co-segregation with disease in multiple affected family members.

Bioscientia Institut fuer Medizinische Diagnostik GmbH, Sonic Healthcare
Classification: Pathogenic for Long QT syndrome 1. Review status: no assertion criteria provided. Collection method: clinical testing. Allele origin: germline. Affected: yes. Not counted in ClinVar's aggregate classification.

Cardiovascular Biomedical Research Unit, Royal Brompton & Harefield NHS Foundation Trust
No classification provided. Condition: Familial long QT syndrome. Review status: no classification provided. Collection method: literature only. Allele origin: germline. Not counted in ClinVar's aggregate classification.
Comment: This variant has been reported as associated with Long QT syndrome in the following publications (PMID:10024302;PMID:15840476;PMID:16253915;PMID:16818214;PMID:17329209;PMID:19716085;PMID:19841300;PMID:15234419;PMID:17470695;PMID:17329207;PMID:9386136). This is a literature report, and does not necessarily reflect the clinical interpretation of the Imperial College / Royal Brompton Cardiovascular Genetics laboratory.

Literature cited by the submitters: PubMed 10024302 (cited by 5 submitters); PubMed 15234419 (cited by 4 submitters); PubMed 16253915 (cited by 5 submitters); PubMed 19261104 (cited by 3 submitters); PubMed 20662986 (cited by 3 submitters); PubMed 21482651 (cited by Color Diagnostics, LLC DBA Color Health and Labcorp Genetics (formerly Invitae), Labcorp); PubMed 22727609 (cited by 3 submitters); PubMed 22949429 (cited by 3 submitters); PubMed 31520628 (cited by Color Diagnostics, LLC DBA Color Health and Victorian Clinical Genetics Services, Murdoch Childrens Research Institute); PubMed 32893267 (cited by Color Diagnostics, LLC DBA Color Health); PubMed 34505893 (cited by Color Diagnostics, LLC DBA Color Health and Bioscientia Institut fuer Medizinische Diagnostik GmbH, Sonic Healthcare); PubMed 22429796 (cited by Labcorp Genetics (formerly Invitae), Labcorp and Ambry Genetics); PubMed 23158531 (cited by Labcorp Genetics (formerly Invitae), Labcorp); PubMed 15840476 (cited by Ambry Genetics and Cardiovascular Biomedical Research Unit, Royal Brompton & Harefield NHS Foundation Trust); PubMed 16818214 (cited by Ambry Genetics and Cardiovascular Biomedical Research Unit, Royal Brompton & Harefield NHS Foundation Trust); PubMed 19716085 (cited by Ambry Genetics and Cardiovascular Biomedical Research Unit, Royal Brompton & Harefield NHS Foundation Trust); PubMed 19841300 (cited by 3 submitters); PubMed 22885918 (cited by Ambry Genetics and Victorian Clinical Genetics Services, Murdoch Childrens Research Institute); PubMed 23324056 (cited by Ambry Genetics); PubMed 25916402 (cited by Ambry Genetics); PubMed 29654130 (cited by Ambry Genetics and Victorian Clinical Genetics Services, Murdoch Childrens Research Institute); PubMed 31737537 (cited by Ambry Genetics); PubMed 32048431 (cited by Ambry Genetics); PubMed 9386136 (cited by Ambry Genetics and Cardiovascular Biomedical Research Unit, Royal Brompton & Harefield NHS Foundation Trust); PubMed 19632626 (cited by Victorian Clinical Genetics Services, Murdoch Childrens Research Institute); PubMed 28438721 (cited by Victorian Clinical Genetics Services, Murdoch Childrens Research Institute); PubMed 29766885 (cited by Victorian Clinical Genetics Services, Murdoch Childrens Research Institute); PubMed 17329207 (cited by Bioscientia Institut fuer Medizinische Diagnostik GmbH, Sonic Healthcare and Cardiovascular Biomedical Research Unit, Royal Brompton & Harefield NHS Foundation Trust); PubMed 17329209 (cited by Cardiovascular Biomedical Research Unit, Royal Brompton & Harefield NHS Foundation Trust); PubMed 17470695 (cited by Cardiovascular Biomedical Research Unit, Royal Brompton & Harefield NHS Foundation Trust); PubMed 22581653 (cited by Cardiovascular Biomedical Research Unit, Royal Brompton & Harefield NHS Foundation Trust).